The following is an entry in ClinVar:

NM_001197104.2(KMT2A):c.10264G>A (p.Ala3422Thr)

Gene: KMT2A (lysine methyltransferase 2A; plus strand). Cytogenetic location: 11q23.3.
Variant type: single nucleotide variant.
Coding change: c.10264G>A on transcript NM_001197104.2 (MANE Select); coding-DNA position 10264, G replaced by A.
Protein change: p.Ala3422Thr; replaces alanine 3422 with threonine.
Molecular consequence: missense variant.
Genome position (GRCh38, 1-based): chr11:118,506,156, G>A. VCF-style: chr11-118506156-G-A. GRCh37 (hg19) VCF-style: chr11-118376871-G-A.
Other names: c.10354G>A, p.Ala3452Thr (NM_001412597.1); c.10255G>A, p.Ala3419Thr (NM_005933.4); short protein forms A3422T, A3419T, A3452T.
Identifiers: ClinVar variation 2811834 (VCV002811834.3), dbSNP rs369299385, ClinGen allele CA6304713.

ClinVar aggregate classification (germline): Uncertain significance (1 of 4 stars; one submission).

Allele frequency attached by ClinVar (database versions not stated): ExAC 0.00001; gnomAD 0.00001; TOPMed 0.00002; ESP Exome Variant Server 0.00008.
gnomAD v4.1: 2 of 1,614,076 alleles (0.00012%); highest among the groups gnomAD compares: African/African-American, 0.0013%; no homozygotes.

Submission:

Labcorp Genetics (formerly Invitae), Labcorp
Classification: Uncertain significance. Last evaluated: 2024-04-01. Review status: criteria provided, single submitter. Criteria: Invitae Variant Classification Sherloc (09022015). Collection method: clinical testing. Allele origin: germline.
Comment: This sequence change replaces alanine, which is neutral and non-polar, with threonine, which is neutral and polar, at codon 3422 of the KMT2A protein (p.Ala3422Thr). This variant is present in population databases (rs369299385, gnomAD 0.007%). This variant has not been reported in the literature in individuals affected with KMT2A-related conditions. Advanced modeling of protein sequence and biophysical properties (such as structural, functional, and spatial information, amino acid conservation, physicochemical variation, residue mobility, and thermodynamic stability) performed at Invitae indicates that this missense variant is not expected to disrupt KMT2A protein function with a negative predictive value of 95%. In summary, the available evidence is currently insufficient to determine the role of this variant in disease. Therefore, it has been classified as a Variant of Uncertain Significance.